The following is an entry in ClinVar:

ClinVar aggregate classification (germline): Uncertain significance. Review status: criteria provided, multiple submitters, no conflicts (2 of 4 stars). 2 submissions from 2 submitters: Uncertain significance (2). Last evaluated 2022-04-06.

Conditions:
Fraser syndrome 2 (FRASRS2). Identifiers: MedGen C4540036, MONDO:0054738, OMIM 617666.
Isolated cryptophthalmia. Also called: ANKYLOBLEPHARON, SIMPLE; Cryptophthalmos, unilateral or bilateral, isolated. Identifiers: Orphanet 91396, MedGen C1852453, MONDO:0007410, OMIM 123570.

Allele frequency attached by ClinVar (database versions not stated): ESP Exome Variant Server 0.00008; 1000 Genomes Project 30x 0.00016; 1000 Genomes Project 0.00020; gnomAD exomes 0.00026; ExAC 0.00035.
gnomAD v4.1: 183 of 1,613,580 alleles (0.011%); highest among the groups gnomAD compares: Non-Finnish European, 0.0034%; 1 homozygote.

Submissions (2):

Fulgent Genetics
Classification: Uncertain significance for Isolated cryptophthalmia; Fraser syndrome 2. Last evaluated: 2022-04-06. Review status: criteria provided, single submitter. Criteria: ACMG Guidelines, 2015. Collection method: clinical testing. Allele origin: unknown.

Labcorp Genetics (formerly Invitae), Labcorp
Classification: Uncertain significance. Last evaluated: 2021-09-17. Review status: criteria provided, single submitter. Criteria: Invitae Variant Classification Sherloc (09022015). Collection method: clinical testing. Allele origin: germline.
Comment: This sequence change replaces asparagine with aspartic acid at codon 276 of the FREM2 protein (p.Asn276Asp). The asparagine residue is highly conserved and there is a small physicochemical difference between asparagine and aspartic acid. This variant is present in population databases (rs200898675, ExAC 0.2%). This variant has not been reported in the literature in individuals affected with FREM2-related conditions. Algorithms developed to predict the effect of missense changes on protein structure and function output the following: SIFT: "Deleterious"; PolyPhen-2: "Benign"; Align-GVGD: "Class C0". The aspartic acid amino acid residue is found in multiple mammalian species, which suggests that this missense change does not adversely affect protein function. Algorithms developed to predict the effect of sequence changes on RNA splicing suggest that this variant may create or strengthen a splice site. In summary, the available evidence is currently insufficient to determine the role of this variant in disease. Therefore, it has been classified as a Variant of Uncertain Significance.

NM_207361.6(FREM2):c.826A>G (p.Asn276Asp)

Gene: FREM2 (FRAS1 related extracellular matrix 2; plus strand). Cytogenetic location: 13q13.3.
Variant type: single nucleotide variant.
Coding change: c.826A>G on transcript NM_207361.6 (MANE Select); coding-DNA position 826, A replaced by G.
Protein change: p.Asn276Asp; replaces asparagine 276 with aspartic acid.
Molecular consequence: missense variant.
Genome position (GRCh38, 1-based): chr13:38,688,170, A>G. VCF-style: chr13-38688170-A-G. GRCh37 (hg19) VCF-style: chr13-39262307-A-G.
Other names: short protein forms N276D.
Identifiers: ClinVar variation 1418786 (VCV001418786.6), dbSNP rs200898675, ClinGen allele CA6954289.